The following is an entry in ClinVar:

ClinVar aggregate classification (germline): Conflicting classifications of pathogenicity. Review status: criteria provided, conflicting classifications (1 of 4 stars). 2 submissions from 2 submitters: Uncertain significance (1); Likely benign (1). Last evaluated 2025-02-06.

Conditions:
Glycogen storage disease IXd (GSD9D). Also called: GSD IXd; Muscle Phosphorylase Kinase Deficiency. Identifiers: Orphanet 715, MedGen C1845151, MONDO:0010362, OMIM 300559.

Allele frequency attached by ClinVar (database versions not stated): gnomAD 0.00001; gnomAD exomes 0.00001 and 0.00005; TOPMed 0.00002; ExAC 0.00007.
gnomAD v4.1: 15 of 1,173,387 alleles (0.0013%); highest among the groups gnomAD compares: East Asian, 0.015%; no homozygotes.

Submissions (2):

Labcorp Genetics (formerly Invitae), Labcorp
Classification: Uncertain significance for Glycogen storage disease IXd. Last evaluated: 2025-02-06. Review status: criteria provided, single submitter. Criteria: Invitae Variant Classification Sherloc (09022015). Collection method: clinical testing. Allele origin: germline.
Comment: This sequence change replaces arginine, which is basic and polar, with glutamine, which is neutral and polar, at codon 971 of the PHKA1 protein (p.Arg971Gln). This variant is present in population databases (rs782702439, gnomAD 0.05%). This variant has not been reported in the literature in individuals affected with PHKA1-related conditions. ClinVar contains an entry for this variant (Variation ID: 915260). Invitae Evidence Modeling of protein sequence and biophysical properties (such as structural, functional, and spatial information, amino acid conservation, physicochemical variation, residue mobility, and thermodynamic stability) indicates that this missense variant is not expected to disrupt PHKA1 protein function with a negative predictive value of 80%. In summary, the available evidence is currently insufficient to determine the role of this variant in disease. Therefore, it has been classified as a Variant of Uncertain Significance.

Illumina Laboratory Services, Illumina
Classification: Likely benign for Glycogen storage disease IXd. Last evaluated: 2018-01-12. Review status: criteria provided, single submitter. Criteria: ICSL Variant Classification Criteria 13 December 2019. Collection method: clinical testing. Allele origin: germline.
Comment: This variant was observed in the ICSL laboratory as part of a predisposition screen in an ostensibly healthy population. It had not been previously curated by ICSL or reported in the Human Gene Mutation Database (HGMD: prior to June 1st, 2018), and was therefore a candidate for classification through an automated scoring system. Utilizing variant allele frequency, disease prevalence and penetrance estimates, and inheritance mode, an automated score was calculated to assess if this variant is too frequent to cause the disease. Based on the score and internal cut-off values, a variant classified as likely benign is not then subjected to further curation. The score for this variant resulted in a classification of likely benign for this disease.

NM_002637.4(PHKA1):c.2912G>A (p.Arg971Gln)

Gene: PHKA1 (phosphorylase kinase regulatory subunit alpha 1; minus strand). Cytogenetic location: Xq13.1.
Variant type: single nucleotide variant.
Coding change: c.2912G>A on transcript NM_002637.4 (MANE Select); coding-DNA position 2912, G replaced by A.
Protein change: p.Arg971Gln; replaces arginine 971 with glutamine.
Molecular consequence: missense variant.
Genome position (GRCh38, 1-based): chrX:72,603,124, C>T on the plus strand (G>A on the coding strand, the complement: PHKA1 is on the minus strand). VCF-style: chrX-72603124-C-T. GRCh37 (hg19) VCF-style: chrX-71822974-C-T.
Other names: c.2912G>A, p.Arg971Gln (NM_001122670.2); c.2735G>A, p.Arg912Gln (NM_001172436.2); short protein forms R971Q, R912Q.
Identifiers: ClinVar variation 915260 (VCV000915260.7), dbSNP rs782702439, ClinGen allele CA10450601.